The following is an entry in ClinVar:

ClinVar aggregate classification (germline): Likely benign. Review status: criteria provided, multiple submitters, no conflicts (2 of 4 stars). 2 submissions from 2 submitters: Likely benign (2). Last evaluated 2025-12-31.

Conditions:
Inborn genetic diseases. Identifiers: MedGen C0950123, MeSH D030342.
DNMT3A-related disorder. Also called: DNMT3A-related disorders; DNMT3A-related condition.

gnomAD v4.1: 4 of 1,552,156 alleles (0.00026%); highest among the groups gnomAD compares: Non-Finnish European, 0.00035%; no homozygotes.

Submissions (2):

PreventionGenetics, part of Exact Sciences
Classification: Likely benign for DNMT3A-related condition. Last evaluated: 2025-12-31. Review status: criteria provided, single submitter. Criteria: ACMG Guidelines, 2015. Collection method: clinical testing. Allele origin: germline.
Comment: This variant is classified as likely benign based on ACMG/AMP sequence variant interpretation guidelines (Richards et al. 2015 PMID: 25741868, with internal and published modifications).

Ambry Genetics
Classification: Likely benign for Inborn genetic diseases. Last evaluated: 2025-09-27. Review status: criteria provided, single submitter. Criteria: Ambry Variant Classification Scheme 2023. Collection method: clinical testing. Allele origin: germline.

NM_022552.5(DNMT3A):c.1911G>C (p.Leu637=)

Gene: DNMT3A (DNA methyltransferase 3 alpha; minus strand). Cytogenetic location: 2p23.3.
Variant type: single nucleotide variant.
Coding change: c.1911G>C on transcript NM_022552.5 (MANE Select); coding-DNA position 1911, G replaced by C.
Protein change: p.Leu637=; no amino-acid change (leucine 637 retained).
Molecular consequence: synonymous variant. On other transcripts: non-coding transcript variant (1).
Genome position (GRCh38, 1-based): chr2:25,243,923, C>G on the plus strand (G>C on the coding strand, the complement: DNMT3A is on the minus strand). VCF-style: chr2-25243923-C-G. GRCh37 (hg19) VCF-style: chr2-25466792-C-G.
Other names: c.1455G>C, p.Leu485= (NM_001320893.1); c.1242G>C, p.Leu414= (NM_001375819.1); c.1344G>C, p.Leu448= (NM_153759.3); c.1911G>C, p.Leu637= (NM_175629.2).
Identifiers: ClinVar variation 4617744 (VCV004617744.2).